The following is an entry in ClinVar:

NM_006206.6(PDGFRA):c.1832C>T (p.Thr611Ile)

Gene: PDGFRA (platelet derived growth factor receptor alpha; plus strand). Cytogenetic location: 4q12.
Variant type: single nucleotide variant.
Coding change: c.1832C>T on transcript NM_006206.6 (MANE Select); coding-DNA position 1832, C replaced by T.
Protein change: p.Thr611Ile; replaces threonine 611 with isoleucine.
Molecular consequence: missense variant.
Genome position (GRCh38, 1-based): chr4:54,277,433, C>T. VCF-style: chr4-54277433-C-T. GRCh37 (hg19) VCF-style: chr4-55143600-C-T.
Other names: c.1832C>T, p.Thr611Ile (NM_001347827.2, NM_001347829.2); c.1907C>T, p.Thr636Ile (NM_001347828.2); c.1871C>T, p.Thr624Ile (NM_001347830.2); short protein forms T611I, T624I, T636I.
Identifiers: ClinVar variation 647058 (VCV000647058.10), dbSNP rs1406857066, ClinGen allele CA356893420.

ClinVar aggregate classification (germline): Uncertain significance. Review status: criteria provided, multiple submitters, no conflicts (2 of 4 stars). 2 submissions from 2 submitters: Uncertain significance (2). Last evaluated 2026-07-07.

Conditions:
Hereditary cancer-predisposing syndrome. Also called: Neoplastic Syndromes, Hereditary; Hereditary Cancer Syndrome; Hereditary neoplastic syndrome; Tumor predisposition. Identifiers: Orphanet 140162, MedGen C0027672, MeSH D009386, MONDO:0015356.
Gastrointestinal stromal tumor. Also called: Gastrointestinal stromal tumor, somatic; Gastrointestinal stroma tumor. Identifiers: Orphanet 44890, MedGen C0238198, MeSH D046152, MONDO:0011719, OMIM 606764, HP:0100723.

Allele frequency attached by ClinVar (database versions not stated): TOPMed 0.00001; gnomAD 0.00003.
gnomAD v4.1: 1 of 1,613,986 alleles (0.000062%); highest among the groups gnomAD compares: Non-Finnish European, 0.000085%; no homozygotes.

Submissions (2):

Ambry Genetics
Classification: Uncertain significance for Hereditary cancer-predisposing syndrome. Last evaluated: 2026-07-07. Review status: criteria provided, single submitter. Criteria: Ambry Variant Classification Scheme 2023. Collection method: clinical testing. Allele origin: germline.
Comment: The p.T611I variant (also known as c.1832C>T), located in coding exon 12 of the PDGFRA gene, results from a C to T substitution at nucleotide position 1832. The threonine at codon 611 is replaced by isoleucine, an amino acid with similar properties. This amino acid position is conserved. In addition, this alteration is predicted to be deleterious by in silico analysis. Based on the available evidence, the clinical significance of this variant remains unclear.

Labcorp Genetics (formerly Invitae), Labcorp
Classification: Uncertain significance for Gastrointestinal stromal tumor. Last evaluated: 2025-09-03. Review status: criteria provided, single submitter. Criteria: Invitae Variant Classification Sherloc (09022015). Collection method: clinical testing. Allele origin: germline.
Comment: This sequence change replaces threonine, which is neutral and polar, with isoleucine, which is neutral and non-polar, at codon 611 of the PDGFRA protein (p.Thr611Ile). This variant is present in population databases (no rsID available, gnomAD 0.007%). This variant has not been reported in the literature in individuals affected with PDGFRA-related conditions. ClinVar contains an entry for this variant (Variation ID: 647058). Invitae Evidence Modeling of protein sequence and biophysical properties (such as structural, functional, and spatial information, amino acid conservation, physicochemical variation, residue mobility, and thermodynamic stability) indicates that this missense variant is not expected to disrupt PDGFRA protein function with a negative predictive value of 80%. In summary, the available evidence is currently insufficient to determine the role of this variant in disease. Therefore, it has been classified as a Variant of Uncertain Significance.